The following is an entry in ClinVar:

NM_006767.4(LZTR1):c.1534G>C (p.Ala512Pro)

Gene: LZTR1 (leucine zipper like post translational regulator 1; plus strand). Cytogenetic location: 22q11.21.
Variant type: single nucleotide variant.
Coding change: c.1534G>C on transcript NM_006767.4 (MANE Select); coding-DNA position 1534, G replaced by C.
Protein change: p.Ala512Pro; replaces alanine 512 with proline.
Molecular consequence: missense variant.
Genome position (GRCh38, 1-based): chr22:20,994,188, G>C. VCF-style: chr22-20994188-G-C. GRCh37 (hg19) VCF-style: chr22-21348477-G-C.
Other names: short protein forms A512P.
Identifiers: ClinVar variation 1713611 (VCV001713611.8), dbSNP rs866792694, ClinGen allele CA410775772.

ClinVar aggregate classification (germline): Uncertain significance. Review status: criteria provided, multiple submitters, no conflicts (2 of 4 stars). 2 submissions from 2 submitters: Uncertain significance (2). Last evaluated 2024-01-02.

Conditions:
Cardiovascular phenotype. Identifiers: MedGen CN230736.
Hereditary cancer-predisposing syndrome. Also called: Neoplastic Syndromes, Hereditary; Tumor predisposition; Hereditary Cancer Syndrome; Hereditary neoplastic syndrome. Identifiers: Orphanet 140162, MedGen C0027672, MeSH D009386, MONDO:0015356.

Allele frequency attached by ClinVar (database versions not stated): gnomAD exomes below 0.00001.
gnomAD v4.1: 1 of 1,603,196 alleles (0.000062%); highest among the groups gnomAD compares: Non-Finnish European, 0.000085%; no homozygotes.

Submissions (2):

Labcorp Genetics (formerly Invitae), Labcorp
Classification: Uncertain significance. Last evaluated: 2024-01-02. Review status: criteria provided, single submitter. Criteria: Invitae Variant Classification Sherloc (09022015). Collection method: clinical testing. Allele origin: germline.
Comment: This sequence change replaces alanine, which is neutral and non-polar, with proline, which is neutral and non-polar, at codon 512 of the LZTR1 protein (p.Ala512Pro). This variant is not present in population databases (gnomAD no frequency). This variant has not been reported in the literature in individuals affected with LZTR1-related conditions. ClinVar contains an entry for this variant (Variation ID: 1713611). Advanced modeling of protein sequence and biophysical properties (such as structural, functional, and spatial information, amino acid conservation, physicochemical variation, residue mobility, and thermodynamic stability) performed at Invitae indicates that this missense variant is not expected to disrupt LZTR1 protein function with a negative predictive value of 80%. In summary, the available evidence is currently insufficient to determine the role of this variant in disease. Therefore, it has been classified as a Variant of Uncertain Significance.

Ambry Genetics
Classification: Uncertain significance for Cardiovascular phenotype; Hereditary cancer-predisposing syndrome. Last evaluated: 2023-06-29. Review status: criteria provided, single submitter. Criteria: Ambry Variant Classification Scheme 2023. Collection method: clinical testing. Allele origin: germline.
Comment: The p.A512P variant (also known as c.1534G>C), located in coding exon 14 of the LZTR1 gene, results from a G to C substitution at nucleotide position 1534. The alanine at codon 512 is replaced by proline, an amino acid with highly similar properties. This amino acid position is not well conserved in available vertebrate species. In addition, this alteration is predicted to be tolerated by in silico analysis. Since supporting evidence is limited at this time, the clinical significance of this alteration remains unclear.